The following is an entry in ClinVar:

ClinVar aggregate classification (germline): Conflicting classifications of pathogenicity. Review status: criteria provided, conflicting classifications (1 of 4 stars). 3 submissions from 3 submitters: Uncertain significance (2); Likely benign (1). Last evaluated 2026-05-14.

Conditions:
COL5A2-related disorder. Also called: COL5A2-related condition.
Ehlers-Danlos syndrome, classic type, 1 (EDSCL1). Also called: Ehlers-Danlos Syndrome, Classic Type, COL5A1-Related; Ehlers-Danlos syndrome, type 1; EDS I; EHLERS-DANLOS SYNDROME, GRAVIS TYPE; EHLERS-DANLOS SYNDROME, SEVERE CLASSIC TYPE. Identifiers: MedGen C0268335, MONDO:0019567, OMIM 130000.
Familial thoracic aortic aneurysm and aortic dissection (TAAD). Also called: Thoracic aortic aneurysms and dissections. Identifiers: Orphanet 91387, MedGen C4707243, MONDO:0019625.

gnomAD v4.1: 6 of 1,611,018 alleles (0.00037%); highest among the groups gnomAD compares: African/African-American, 0.0027%; no homozygotes.

Submissions (3):

Ambry Genetics
Classification: Uncertain significance for Familial thoracic aortic aneurysm and aortic dissection. Last evaluated: 2026-05-14. Review status: criteria provided, single submitter. Criteria: Ambry Variant Classification Scheme 2023. Collection method: clinical testing. Allele origin: germline.

Labcorp Genetics (formerly Invitae), Labcorp
Classification: Likely benign for Ehlers-Danlos syndrome, classic type, 1. Last evaluated: 2025-05-22. Review status: criteria provided, single submitter. Criteria: Invitae Variant Classification Sherloc (09022015). Collection method: clinical testing. Allele origin: germline.

PreventionGenetics, part of Exact Sciences
Classification: Uncertain significance for COL5A2-related condition. Last evaluated: 2025-01-31. Review status: criteria provided, single submitter. Criteria: ACMG Guidelines, 2015. Collection method: clinical testing. Allele origin: germline.
Comment: The COL5A2 c.760C>T variant is predicted to result in the amino acid substitution p.Arg254Cys. To our knowledge, this variant has not been reported in the literature. This variant is reported in 0.0041% of alleles in individuals of African descent in gnomAD. At this time, the clinical significance of this variant is uncertain due to the absence of conclusive functional and genetic evidence.

NM_000393.5(COL5A2):c.760C>T (p.Arg254Cys)

Gene: COL5A2 (collagen type V alpha 2 chain; minus strand). Cytogenetic location: 2q32.2.
Variant type: single nucleotide variant.
Coding change: c.760C>T on transcript NM_000393.5 (MANE Select); coding-DNA position 760, C replaced by T.
Protein change: p.Arg254Cys; replaces arginine 254 with cysteine.
Molecular consequence: missense variant.
Genome position (GRCh38, 1-based): chr2:189,085,198, G>A on the plus strand (C>T on the coding strand, the complement: COL5A2 is on the minus strand). VCF-style: chr2-189085198-G-A. GRCh37 (hg19) VCF-style: chr2-189949924-G-A.
Other names: c.760C>T (NM_000393.3, NM_000393.4); short protein forms R254C.
Identifiers: ClinVar variation 4747890 (VCV004747890.3).